The following is an entry in ClinVar:

ClinVar aggregate classification (germline): Likely benign (0 of 4 stars; one submission).

Conditions:
CACNA1B-related disorder. Also called: CACNA1B-related condition.

Allele frequency attached by ClinVar (database versions not stated): TOPMed below 0.00001; gnomAD 0.00001; gnomAD exomes 0.00002; ExAC 0.00004.
gnomAD v4.1: 26 of 1,613,860 alleles (0.0016%); highest among the groups gnomAD compares: South Asian, 0.0055%; no homozygotes.

Submission:

PreventionGenetics, part of Exact Sciences
Classification: Likely benign for CACNA1B-related condition. Last evaluated: 2021-12-27. Review status: no assertion criteria provided. Collection method: clinical testing. Allele origin: germline.
Comment: This variant is classified as likely benign based on ACMG/AMP sequence variant interpretation guidelines (Richards et al. 2015 PMID: 25741868, with internal and published modifications).

NM_000718.4(CACNA1B):c.414C>T (p.Ile138=)

Genes: CACNA1B (calcium voltage-gated channel subunit alpha1 B; plus strand), CACNA1B-AS2 (CACNA1B antisense RNA 2; minus strand). Cytogenetic location: 9q34.3.
Variant type: single nucleotide variant.
Coding change: c.414C>T on transcript NM_000718.4 (MANE Select); coding-DNA position 414, C replaced by T.
Protein change: p.Ile138=; no amino-acid change (isoleucine 138 retained).
Molecular consequence: synonymous variant.
Genome position (GRCh38, 1-based): chr9:137,882,767, C>T. VCF-style: chr9-137882767-C-T. GRCh37 (hg19) VCF-style: chr9-140777219-C-T.
Other names: c.414C>T, p.Ile138= (NM_001243812.2).
Identifiers: ClinVar variation 3029180 (VCV003029180.2), dbSNP rs760297997, ClinGen allele CA5375794.